The following is an entry in ClinVar:

NM_001103.4(ACTN2):c.2286C>T (p.Phe762=)

Gene: ACTN2 (actinin alpha 2; plus strand). Cytogenetic location: 1q43.
Variant type: single nucleotide variant.
Coding change: c.2286C>T on transcript NM_001103.4 (MANE Select); coding-DNA position 2286, C replaced by T.
Protein change: p.Phe762=; no amino-acid change (phenylalanine 762 retained).
Molecular consequence: synonymous variant. On other transcripts: non-coding transcript variant (1).
Genome position (GRCh38, 1-based): chr1:236,757,617, C>T. VCF-style: chr1-236757617-C-T. GRCh37 (hg19) VCF-style: chr1-236920917-C-T.
Other names: c.2286C>T, p.Phe762= (NM_001278343.2).
Identifiers: ClinVar variation 3756485 (VCV003756485.2).

ClinVar aggregate classification (germline): Uncertain significance (1 of 4 stars; one submission).

Conditions:
Primary familial hypertrophic cardiomyopathy (HCM). Identifiers: Orphanet 99739, MedGen C0949658, MeSH D024741, MONDO:0024573. Inheritance: Various modes of inheritance.
Dilated cardiomyopathy 1AA (CMD1AA). Also called: CARDIOMYOPATHY, DILATED, 1AA, WITH OR WITHOUT LEFT VENTRICULAR NONCOMPACTION; CARDIOMYOPATHY, FAMILIAL HYPERTROPHIC, 23, WITH OR WITHOUT LEFT VENTRICULAR NONCOMPACTION; Cardiomyopathy, dilated, 1AA, with or without LVNC. Identifiers: Orphanet 154, MedGen C2677338, MONDO:0012808, OMIM 612158.

Submission:

Labcorp Genetics (formerly Invitae), Labcorp
Classification: Uncertain significance for Primary familial hypertrophic cardiomyopathy; Dilated cardiomyopathy 1AA. Last evaluated: 2024-06-01. Review status: criteria provided, single submitter. Criteria: Invitae Variant Classification Sherloc (09022015). Collection method: clinical testing. Allele origin: germline.
Comment: This sequence change affects codon 762 of the ACTN2 mRNA. It is a 'silent' change, meaning that it does not change the encoded amino acid sequence of the ACTN2 protein. This variant is not present in population databases (gnomAD no frequency). This variant has not been reported in the literature in individuals affected with ACTN2-related conditions. Algorithms developed to predict the effect of sequence changes on RNA splicing suggest that this variant may disrupt the consensus splice site. In summary, the available evidence is currently insufficient to determine the role of this variant in disease. Therefore, it has been classified as a Variant of Uncertain Significance.